The following is an entry in ClinVar:

NM_000037.4(ANK1):c.5465T>C (p.Ile1822Thr)

Gene: ANK1 (ankyrin 1; minus strand). Cytogenetic location: 8p11.21.
Variant type: single nucleotide variant.
Coding change: c.5465T>C on transcript NM_000037.4 (MANE Select); coding-DNA position 5465, T replaced by C.
Protein change: p.Ile1822Thr; replaces isoleucine 1822 with threonine.
Molecular consequence: missense variant.
Genome position (GRCh38, 1-based): chr8:41,663,672, A>G on the plus strand (T>C on the coding strand, the complement: ANK1 is on the minus strand). VCF-style: chr8-41663672-A-G. GRCh37 (hg19) VCF-style: chr8-41521190-A-G.
Other names: c.5588T>C, p.Ile1863Thr (NM_001142446.2); c.5465T>C, p.Ile1822Thr (NM_020475.3, NM_020476.3); c.4979T>C, p.Ile1660Thr (NM_020477.3); c.290T>C, p.Ile97Thr (NM_020478.5, NM_020480.5, NM_001142445.2); short protein forms I1660T, I1863T, I97T, I1822T.
Identifiers: ClinVar variation 4768470 (VCV004768470.1).

ClinVar aggregate classification (germline): Uncertain significance (1 of 4 stars; one submission).

Submission:

Labcorp Genetics (formerly Invitae), Labcorp
Classification: Uncertain significance. Last evaluated: 2025-03-27. Review status: criteria provided, single submitter. Criteria: Invitae Variant Classification Sherloc (09022015). Collection method: clinical testing. Allele origin: germline.
Comment: This sequence change replaces isoleucine, which is neutral and non-polar, with threonine, which is neutral and polar, at codon 1822 of the ANK1 protein (p.Ile1822Thr). This variant is not present in population databases (gnomAD no frequency). This variant has not been reported in the literature in individuals affected with ANK1-related conditions. An algorithm developed to predict the effect of missense changes on protein structure and function (PolyPhen-2) suggests that this variant is likely to be tolerated. In summary, the available evidence is currently insufficient to determine the role of this variant in disease. Therefore, it has been classified as a Variant of Uncertain Significance.